The following is an entry in ClinVar:

NM_005609.4(PYGM):c.1685C>A (p.Ser562Ter)

Gene: PYGM (glycogen phosphorylase, muscle associated; minus strand). Cytogenetic location: 11q13.1.
Variant type: single nucleotide variant.
Coding change: c.1685C>A on transcript NM_005609.4 (MANE Select); coding-DNA position 1685, C replaced by A.
Protein change: p.Ser562Ter; replaces serine 562 with a stop codon.
Molecular consequence: nonsense.
Genome position (GRCh38, 1-based): chr11:64,752,007, G>T on the plus strand (C>A on the coding strand, the complement: PYGM is on the minus strand). VCF-style: chr11-64752007-G-T. GRCh37 (hg19) VCF-style: chr11-64519479-G-T.
Other names: c.1421C>A, p.Ser474Ter (NM_001164716.1); short protein forms S474*, S562*.
Identifiers: ClinVar variation 5013420 (VCV005013420.1).

ClinVar aggregate classification (germline): Pathogenic (1 of 4 stars; one submission).

Conditions:
Glycogen storage disease, type V (GSD5). Also called: MCARDLE DISEASE; MUSCLE GLYCOGEN PHOSPHORYLASE DEFICIENCY; MYOPHOSPHORYLASE DEFICIENCY; PYGM DEFICIENCY; McArdle type glycogen storage disease. Identifiers: Orphanet 368, MedGen C0017924, MONDO:0009293, OMIM 232600.

Submission:

Myriad Genetics, Inc.
Classification: Pathogenic for Glycogen storage disease, type V. Last evaluated: 2024-08-06. Review status: criteria provided, single submitter. Criteria: Myriad Autosomal Dominant, Autosomal Recessive and X-Linked Classification Criteria (2023). Collection method: clinical testing. Allele origin: unknown.
Comment: NM_005609.2(PYGM):c.1685C>A(S562*) is expected to be pathogenic in the context of glycogen storage disease, PYGM-related. This variant is predicted to lead to an abnormal or absent protein product due to the creation of a premature termination codon in PYGM, a gene where loss-of-function variants are known to be pathogenic. Please note: this variant was assessed in the context of healthy population screening.